The following is an entry in ClinVar:

NM_001113378.2(FANCI):c.197G>A (p.Arg66His)

Gene: FANCI (FA complementation group I; plus strand). Cytogenetic location: 15q26.1.
Variant type: single nucleotide variant.
Coding change: c.197G>A on transcript NM_001113378.2 (MANE Select); coding-DNA position 197, G replaced by A.
Protein change: p.Arg66His; replaces arginine 66 with histidine.
Molecular consequence: missense variant. On other transcripts: 5 prime UTR variant (1).
Genome position (GRCh38, 1-based): chr15:89,260,752, G>A. VCF-style: chr15-89260752-G-A. GRCh37 (hg19) VCF-style: chr15-89803983-G-A.
Other names: c.-83G>A (NM_001376910.1); c.197G>A, p.Arg66His (NM_001376911.1, NM_018193.3); short protein forms R66H.
Identifiers: ClinVar variation 1025490 (VCV001025490.5), dbSNP rs779515039, ClinGen allele CA7722531.
Genomic context (GRCh38, chr15:89,260,752, plus strand): 5'-CCCCCTGTTTAAAACAATAAGGTTCCCCCTGCTCTGAGGAAGCTGGAACACTTAGGAGAC[G>A]TAAGATATACACTTGTTGTATCCAGTTGGTGGAATCGGGGGATTTGCAGAAAGAAATAGC-3'
Protein context (NP_001106849.1, residues 56-76): CSEEAGTLRR[Arg66His]KIYTCCIQLV

ClinVar aggregate classification (germline): Uncertain significance. Review status: criteria provided, multiple submitters, no conflicts (2 of 4 stars). 2 submissions from 2 submitters: Uncertain significance (2). Last evaluated 2022-08-16.

Conditions:
Fanconi anemia (FA). Also called: Fanconi's anemia. Identifiers: Orphanet 84, MedGen C0015625, MeSH D005199, MONDO:0019391.
Fanconi anemia complementation group I (FANCI). Also called: FANCI-Related Fanconi Anemia. Identifiers: Orphanet 84, MedGen C1836861, MONDO:0012186, OMIM 609053.

Allele frequency attached by ClinVar (database versions not stated): ExAC 0.00001; gnomAD 0.00001 and 0.00002; gnomAD exomes 0.00001.
gnomAD v4.1: 21 of 1,613,884 alleles (0.0013%); highest among the groups gnomAD compares: South Asian, 0.0033%; no homozygotes.

Submissions (2):

Labcorp Genetics (formerly Invitae), Labcorp
Classification: Uncertain significance for Fanconi anemia. Last evaluated: 2022-08-16. Review status: criteria provided, single submitter. Criteria: Invitae Variant Classification Sherloc (09022015). Collection method: clinical testing. Allele origin: germline.
Comment: This sequence change replaces arginine, which is basic and polar, with histidine, which is basic and polar, at codon 66 of the FANCI protein (p.Arg66His). This variant is present in population databases (rs779515039, gnomAD 0.006%). This variant has not been reported in the literature in individuals affected with FANCI-related conditions. ClinVar contains an entry for this variant (Variation ID: 1025490). Algorithms developed to predict the effect of missense changes on protein structure and function output the following: SIFT: "Tolerated"; PolyPhen-2: "Benign"; Align-GVGD: "Class C0". The histidine amino acid residue is found in multiple mammalian species, which suggests that this missense change does not adversely affect protein function. In summary, the available evidence is currently insufficient to determine the role of this variant in disease. Therefore, it has been classified as a Variant of Uncertain Significance.

Fulgent Genetics
Classification: Uncertain significance for Fanconi anemia complementation group I. Last evaluated: 2021-09-27. Review status: criteria provided, single submitter. Criteria: ACMG Guidelines, 2015. Collection method: clinical testing. Allele origin: unknown.